The following is an entry in ClinVar:

NM_004360.5(CDH1):c.522C>A (p.Asn174Lys)

Gene: CDH1 (cadherin 1; plus strand). Cytogenetic location: 16q22.1.
Variant type: single nucleotide variant.
Coding change: c.522C>A on transcript NM_004360.5 (MANE Select); coding-DNA position 522, C replaced by A.
Protein change: p.Asn174Lys; replaces asparagine 174 with lysine.
Molecular consequence: missense variant. On other transcripts: 5 prime UTR variant (2).
Genome position (GRCh38, 1-based): chr16:68,808,558, C>A. VCF-style: chr16-68808558-C-A. GRCh37 (hg19) VCF-style: chr16-68842461-C-A.
Other names: c.522C>A (LRG_301t1); c.522C>A, p.Asn174Lys (NM_001317184.2); c.-1094C>A (NM_001317185.2); c.-1298C>A (NM_001317186.2); short protein forms N174K.
Identifiers: ClinVar variation 406654 (VCV000406654.27), dbSNP rs571581856, ClinGen allele CA8129872.

ClinVar aggregate classification (germline): Uncertain significance. Review status: reviewed by expert panel (3 of 4 stars). 6 submissions from 6 submitters: Uncertain significance (1). 5 of the submissions do not count toward it. Last evaluated 2023-08-21.

Conditions:
CDH1-related diffuse gastric and lobular breast cancer syndrome. Also called: CDH1-related diffuse gastric and lobular breast cancer. Identifiers: MedGen CN311521, MONDO:0100488.
Hereditary cancer-predisposing syndrome. Also called: Hereditary Cancer Syndrome; Tumor predisposition; Hereditary neoplastic syndrome; Neoplastic Syndromes, Hereditary. Identifiers: Orphanet 140162, MedGen C0027672, MeSH D009386, MONDO:0015356.
Hereditary diffuse gastric adenocarcinoma (HDGC). Also called: DIFFUSE GASTRIC AND LOBULAR BREAST CANCER SYNDROME. Identifiers: Orphanet 26106, MedGen C1708349, MONDO:0007648, OMIM 137215.

Allele frequency attached by ClinVar (database versions not stated): gnomAD exomes below 0.00001; TOPMed 0.00001.
gnomAD v4.1: 3 of 1,614,148 alleles (0.00019%); highest among the groups gnomAD compares: Non-Finnish European, 0.00025%; no homozygotes.

Submissions (6):

Clingen Gastric Cancer Variant Curation Expert Panel
Classification: Uncertain significance for CDH1-related diffuse gastric and lobular breast cancer syndrome. Last evaluated: 2023-08-21. Review status: reviewed by expert panel. Criteria: ClinGen CDH1 ACMG Specifications V3.1. Collection method: curation. Allele origin: germline. Inheritance: Autosomal dominant inheritance.
Comment: The c.522C>A (p.Asn174Lys) variant has an allele frequency: 2:251288 (<one out of 50000 alleles within a sub-population) in the gnomAD cohort (PM2_Supporting). It has been observed in 6 probands w/o DGS, SRC tumor or LBC and whose families do not suggest HDGC (BS2_Supporting; SCV000545444.4, SCV000666330.2, SCV000570014.5). In summary, this variant meets criteria to be classified as VUS based on the ACMG/AMP criteria applied as specified by the CDH1 Variant Curation Expert Panel (Variant Interpretation Guidelines Version 3.1): PM2_Supporting, BS2_Supporting.

Ambry Genetics
Classification: Benign for Hereditary cancer-predisposing syndrome. Last evaluated: 2026-05-18. Review status: criteria provided, single submitter. Criteria: Ambry Variant Classification Scheme 2023. Collection method: clinical testing. Allele origin: germline. Not counted in ClinVar's aggregate classification.

Labcorp Genetics (formerly Invitae), Labcorp
Classification: Uncertain significance for Hereditary diffuse gastric adenocarcinoma. Last evaluated: 2025-12-14. Review status: criteria provided, single submitter. Criteria: Invitae Variant Classification Sherloc (09022015). Collection method: clinical testing. Allele origin: germline. Not counted in ClinVar's aggregate classification.
Comment: This sequence change replaces asparagine, which is neutral and polar, with lysine, which is basic and polar, at codon 174 of the CDH1 protein (p.Asn174Lys). This variant is present in population databases (rs571581856, gnomAD 0.002%). This variant has not been reported in the literature in individuals affected with CDH1-related conditions. ClinVar contains an entry for this variant (Variation ID: 406654). An algorithm developed to predict the effect of missense changes on protein structure and function outputs the following: PolyPhen-2: "Benign". The lysine amino acid residue is found in multiple mammalian species, which suggests that this missense change does not adversely affect protein function. In summary, the available evidence is currently insufficient to determine the role of this variant in disease. Therefore, it has been classified as a Variant of Uncertain Significance.

Color Diagnostics, LLC DBA Color Health
Classification: Uncertain significance for Hereditary cancer-predisposing syndrome. Last evaluated: 2023-12-05. Review status: criteria provided, single submitter. Criteria: ACMG Guidelines, 2015. Collection method: clinical testing. Allele origin: germline. Not counted in ClinVar's aggregate classification.
Comment: This missense variant replaces asparagine with lysine at codon 174 of the CDH1 protein. To our knowledge, functional studies have not been reported for this variant. This variant has not been reported in individuals affected with CDH1-related disorders in the literature. This variant has been identified in 2/251288 chromosomes in the general population by the Genome Aggregation Database (gnomAD). The available evidence is insufficient to determine the role of this variant in disease conclusively. Therefore, this variant is classified as a Variant of Uncertain Significance.

Quest Diagnostics Nichols Institute San Juan Capistrano
Classification: Uncertain significance. Last evaluated: 2018-03-09. Review status: criteria provided, single submitter. Criteria: Quest Diagnostics criteria. Collection method: clinical testing. Allele origin: germline. Not counted in ClinVar's aggregate classification.

GeneDx
Classification: Uncertain significance. Last evaluated: 2018-01-22. Review status: criteria provided, single submitter. Criteria: GeneDx Variant Classification (06012015). Collection method: clinical testing. Allele origin: germline. Affected: yes. Not counted in ClinVar's aggregate classification.
Comment: This variant is denoted CDH1 c.522C>A at the cDNA level, p.Asn174Lys (N174K) at the protein level, and results in the change of an Asparagine to a Lysine (AAC>AAA). This variant has not, to our knowledge, been published in the literature as pathogenic or benign. CDH1 Asn174Lys was not observed at a significant allele frequency in large population cohorts (Lek 2016). This variant is located within the Cadherin 1 domain (Brooks-Wilson 2004, Figueiredo 2013, Uniprot). In silico analysis, which includes protein predictors and evolutionary conservation, supports that this variant does not alter protein structure/function. Based on currently available evidence, it is unclear whether CDH1 Asn174Lys is a pathogenic or benign variant. We consider it to be a variant of uncertain significance.